The following is an entry in ClinVar:

ClinVar aggregate classification (germline): Uncertain significance. Review status: criteria provided, multiple submitters, no conflicts (2 of 4 stars). 2 submissions from 2 submitters: Uncertain significance (2). Last evaluated 2023-08-04.

Conditions:
Inborn genetic diseases. Identifiers: MedGen C0950123, MeSH D030342.

Allele frequency attached by ClinVar (database versions not stated): ExAC 0.00003; TOPMed 0.00007; gnomAD 0.00009; ESP Exome Variant Server 0.00015.

Submissions (2):

GeneDx
Classification: Uncertain significance. Last evaluated: 2023-08-04. Review status: criteria provided, single submitter. Criteria: GeneDx Variant Classification Process June 2021. Collection method: clinical testing. Allele origin: germline. Affected: yes.
Comment: Has not been previously published as pathogenic or benign to our knowledge; In silico analysis supports that this missense variant has a deleterious effect on protein structure/function

Ambry Genetics
Classification: Uncertain significance for Inborn genetic diseases. Last evaluated: 2021-08-02. Review status: criteria provided, single submitter. Criteria: Ambry Variant Classification Scheme 2023. Collection method: clinical testing. Allele origin: germline.

NM_153212.3(GJB4):c.304G>A (p.Glu102Lys)

Gene: GJB4 (gap junction protein beta 4; plus strand). Cytogenetic location: 1p34.3.
Variant type: single nucleotide variant.
Coding change: c.304G>A on transcript NM_153212.3 (MANE Select); coding-DNA position 304, G replaced by A.
Protein change: p.Glu102Lys; replaces glutamic acid 102 with lysine.
Molecular consequence: missense variant.
Genome position (GRCh38, 1-based): chr1:34,761,558, G>A. VCF-style: chr1-34761558-G-A. GRCh37 (hg19) VCF-style: chr1-35227159-G-A.
Other names: short protein forms E102K.
Identifiers: ClinVar variation 2353756 (VCV002353756.3), dbSNP rs200953314, ClinGen allele CA754545.